The following is an entry in ClinVar:

NM_002778.4(PSAP):c.161A>G (p.Asn54Ser)

Gene: PSAP (prosaposin; minus strand). Cytogenetic location: 10q22.1.
Variant type: single nucleotide variant.
Coding change: c.161A>G on transcript NM_002778.4 (MANE Select); coding-DNA position 161, A replaced by G.
Protein change: p.Asn54Ser; replaces asparagine 54 with serine.
Molecular consequence: missense variant.
Genome position (GRCh38, 1-based): chr10:71,834,385, T>C on the plus strand (A>G on the coding strand, the complement: PSAP is on the minus strand). VCF-style: chr10-71834385-T-C. GRCh37 (hg19) VCF-style: chr10-73594142-T-C.
Other names: c.161A>G, p.Asn54Ser (NM_001042465.3, NM_001042466.3); short protein forms N54S.
Identifiers: ClinVar variation 1001440 (VCV001001440.2), dbSNP rs539091862, ClinGen allele CA5547882.

ClinVar aggregate classification (germline): Uncertain significance. Review status: criteria provided, single submitter (1 of 4 stars). 2 submissions from 2 submitters: Uncertain significance (1). 1 of the submissions does not count toward it. Last evaluated 2020-06-12.

Conditions:
Sphingolipid activator protein 1 deficiency. Also called: Metachromatic leukodystrophy due to saposin B deficiency; Saposin B Deficiency; METACHROMATIC LEUKODYSTROPHY DUE TO CEREBROSIDE SULFATASE ACTIVATOR DEFICIENCY. Identifiers: Orphanet 512, MedGen C0268262, MONDO:0009590, OMIM 249900.
Metachromatic leukodystrophy (MLD). Also called: Arylsulfatase A Deficiency; SULFATIDE LIPIDOSIS; ARSA DEFICIENCY; CEREBROSIDE SULFATASE DEFICIENCY; Cerebral sclerosis diffuse metachromatic form; METACHROMATIC LEUKOENCEPHALOPATHY. Identifiers: Orphanet 512, MedGen C0023522, MONDO:0018868, OMIM 250100.

Allele frequency attached by ClinVar (database versions not stated): gnomAD 0.00001 and 0.00002; gnomAD exomes 0.00002 and 0.00004; ExAC 0.00007; 1000 Genomes Project 30x 0.00016; 1000 Genomes Project 0.00020.
gnomAD v4.1: 30 of 1,613,782 alleles (0.0019%); highest among the groups gnomAD compares: Middle Eastern, 0.033%; no homozygotes.

Submissions (2):

Labcorp Genetics (formerly Invitae), Labcorp
Classification: Uncertain significance for Sphingolipid activator protein 1 deficiency. Last evaluated: 2020-06-12. Review status: criteria provided, single submitter. Criteria: Invitae Variant Classification Sherloc (09022015). Collection method: clinical testing. Allele origin: germline.
Comment: This sequence change replaces asparagine with serine at codon 54 of the PSAP protein (p.Asn54Ser). The asparagine residue is weakly conserved and there is a small physicochemical difference between asparagine and serine. This variant is present in population databases (rs539091862, ExAC 0.05%). This variant has not been reported in the literature in individuals with PSAP-related conditions. Algorithms developed to predict the effect of missense changes on protein structure and function output the following: SIFT: Not Available; PolyPhen-2: Benign; Align-GVGD: Not Available. The serine amino acid residue is found in multiple mammalian species, suggesting that this missense change does not adversely affect protein function. These predictions have not been confirmed by published functional studies and their clinical significance is uncertain. In summary, the available evidence is currently insufficient to determine the role of this variant in disease. Therefore, it has been classified as a Variant of Uncertain Significance.

Natera, Inc.
Classification: Uncertain significance for Metachromatic leukodystrophy. Last evaluated: 2020-05-11. Review status: no assertion criteria provided. Collection method: clinical testing. Allele origin: germline. Not counted in ClinVar's aggregate classification.